The following is an entry in ClinVar:

NM_001184900.3(CARD8):c.412A>T (p.Asn138Tyr)

Gene: CARD8 (caspase recruitment domain family member 8; minus strand). Cytogenetic location: 19q13.33.
Variant type: single nucleotide variant.
Coding change: c.412A>T on transcript NM_001184900.3 (MANE Select); coding-DNA position 412, A replaced by T.
Protein change: p.Asn138Tyr; replaces asparagine 138 with tyrosine.
Molecular consequence: missense variant. On other transcripts: non-coding transcript variant (4).
Genome position (GRCh38, 1-based): chr19:48,231,790, T>A on the plus strand (A>T on the coding strand, the complement: CARD8 is on the minus strand). VCF-style: chr19-48231790-T-A. GRCh37 (hg19) VCF-style: chr19-48735047-T-A.
Other names: c.262A>T, p.Asn88Tyr (NM_001184901.1, NM_001351783.2, NM_001351788.2 and 2 more transcripts); c.412A>T, p.Asn138Tyr (NM_001184902.2, NM_001184903.1, NM_001351782.2); c.97A>T, p.Asn33Tyr (NM_001351784.2, NM_001351787.2, NM_001351791.2 and 2 more transcripts); c.76A>T, p.Asn26Tyr (NM_001351786.2); c.169A>T, p.Asn57Tyr (NM_001351790.2); c.-411A>T (NM_001426741.1); short protein forms N26Y, N57Y, N88Y, N138Y, N33Y.
Identifiers: ClinVar variation 2976994 (VCV002976994.3), dbSNP rs1248865907, ClinGen allele CA406645404.

ClinVar aggregate classification (germline): Uncertain significance (1 of 4 stars; one submission).

Allele frequency attached by ClinVar (database versions not stated): gnomAD exomes below 0.00001; TOPMed below 0.00001.
gnomAD v4.1: 1 of 1,613,992 alleles (0.000062%); highest among the groups gnomAD compares: Admixed American, 0.0017%; no homozygotes.

Submission:

Labcorp Genetics (formerly Invitae), Labcorp
Classification: Uncertain significance. Last evaluated: 2022-11-01. Review status: criteria provided, single submitter. Criteria: Invitae Variant Classification Sherloc (09022015). Collection method: clinical testing. Allele origin: germline.
Comment: This sequence change replaces asparagine, which is neutral and polar, with tyrosine, which is neutral and polar, at codon 88 of the CARD8 protein (p.Asn88Tyr). This variant is present in population databases (no rsID available, gnomAD 0.003%). This variant has not been reported in the literature in individuals affected with CARD8-related conditions. Algorithms developed to predict the effect of missense changes on protein structure and function (SIFT, PolyPhen-2, Align-GVGD) all suggest that this variant is likely to be tolerated. In summary, the available evidence is currently insufficient to determine the role of this variant in disease. Therefore, it has been classified as a Variant of Uncertain Significance.